The following is an entry in ClinVar:

NM_000211.5(ITGB2):c.260C>T (p.Thr87Ile)

Gene: ITGB2 (integrin subunit beta 2; minus strand). Cytogenetic location: 21q22.3.
Variant type: single nucleotide variant.
Coding change: c.260C>T on transcript NM_000211.5 (MANE Select); coding-DNA position 260, C replaced by T.
Protein change: p.Thr87Ile; replaces threonine 87 with isoleucine.
Molecular consequence: missense variant.
Genome position (GRCh38, 1-based): chr21:44,906,983, G>A on the plus strand (C>T on the coding strand, the complement: ITGB2 is on the minus strand). VCF-style: chr21-44906983-G-A. GRCh37 (hg19) VCF-style: chr21-46326898-G-A.
Other names: c.260C>T, p.Thr87Ile (NM_001127491.3); c.53C>T, p.Thr18Ile (NM_001303238.2); short protein forms T87I, T18I.
Identifiers: ClinVar variation 1508074 (VCV001508074.8), dbSNP rs754994927, ClinGen allele CA410479621.

ClinVar aggregate classification (germline): Uncertain significance (1 of 4 stars; one submission).

Conditions:
Leukocyte adhesion deficiency 1 (LAD1). Also called: LEUKOCYTE ADHESION DEFICIENCY, TYPE I; LAD 1; Lymphocyte function-associated antigen 1 immunodeficiency; LFA 1 immunodeficiency. Identifiers: Orphanet 2968, Orphanet 99842, MedGen C0398738, MONDO:0007293, OMIM 116920.

gnomAD v4.1: 1 of 1,614,190 alleles (0.000062%); highest among the groups gnomAD compares: Non-Finnish European, 0.000085%; no homozygotes.

Submission:

Labcorp Genetics (formerly Invitae), Labcorp
Classification: Uncertain significance for Leukocyte adhesion deficiency 1. Last evaluated: 2022-02-05. Review status: criteria provided, single submitter. Criteria: Invitae Variant Classification Sherloc (09022015). Collection method: clinical testing. Allele origin: germline.
Comment: This variant is present in population databases (no rsID available, gnomAD 0.0009%). This variant has not been reported in the literature in individuals affected with ITGB2-related conditions. Algorithms developed to predict the effect of missense changes on protein structure and function (SIFT, PolyPhen-2, Align-GVGD) all suggest that this variant is likely to be tolerated. In summary, the available evidence is currently insufficient to determine the role of this variant in disease. Therefore, it has been classified as a Variant of Uncertain Significance. This sequence change replaces threonine, which is neutral and polar, with isoleucine, which is neutral and non-polar, at codon 87 of the ITGB2 protein (p.Thr87Ile).